The following is an entry in ClinVar:

NM_001330260.2(SCN8A):c.2389A>G (p.Thr797Ala)

Gene: SCN8A (sodium voltage-gated channel alpha subunit 8; plus strand). Cytogenetic location: 12q13.13.
Variant type: single nucleotide variant.
Coding change: c.2389A>G on transcript NM_001330260.2 (MANE Select); coding-DNA position 2389, A replaced by G.
Protein change: p.Thr797Ala; replaces threonine 797 with alanine.
Molecular consequence: missense variant.
Genome position (GRCh38, 1-based): chr12:51,762,521, A>G. VCF-style: chr12-51762521-A-G. GRCh37 (hg19) VCF-style: chr12-52156305-A-G.
Other names: c.2389A>G, p.Thr797Ala (NM_001177984.3, NM_001369788.1, NM_014191.4); short protein forms T797A.
Identifiers: ClinVar variation 1053426 (VCV001053426.6), dbSNP rs1482268495, ClinGen allele CA384883009.
Genomic context (GRCh38, chr12:51,762,521, plus strand): 5'-TCTACTATTTATTTTTCTTACCCCCTGCATCCCCCTATTTAGGTTTTCACTGGAATTTTC[A>G]CAGCGGAAATGTTCCTGAAGCTCATAGCCATGGATCCCTACTATTATTTCCAAGAAGGTT-3'
Protein context (NP_001317189.1, residues 787-807): VGNLVFTGIF[Thr797Ala]AEMFLKLIAM

ClinVar aggregate classification (germline): Uncertain significance (1 of 4 stars; one submission).

Conditions:
Early-infantile DEE. Also called: Ohtahara syndrome; Early infantile epileptic encephalopathy with suppression bursts; Early infantile epileptic encephalopathy. Identifiers: Orphanet 1934, MedGen C0393706, MONDO:0800491.

Allele frequency attached by ClinVar (database versions not stated): gnomAD 0.00001; TOPMed 0.00001.
gnomAD v4.1: 1 of 1,613,410 alleles (0.000062%); highest among the groups gnomAD compares: Non-Finnish European, 0.000085%; no homozygotes.

Submission:

Labcorp Genetics (formerly Invitae), Labcorp
Classification: Uncertain significance for Early-infantile DEE. Last evaluated: 2025-11-12. Review status: criteria provided, single submitter. Criteria: Invitae Variant Classification Sherloc (09022015). Collection method: clinical testing. Allele origin: germline.
Comment: This sequence change replaces threonine, which is neutral and polar, with alanine, which is neutral and non-polar, at codon 797 of the SCN8A protein (p.Thr797Ala). This variant is present in population databases (no rsID available, gnomAD 0.007%). This variant has not been reported in the literature in individuals affected with SCN8A-related conditions. ClinVar contains an entry for this variant (Variation ID: 1053426). Invitae Evidence Modeling of protein sequence and biophysical properties (such as structural, functional, and spatial information, amino acid conservation, physicochemical variation, residue mobility, and thermodynamic stability) indicates that this missense variant is not expected to disrupt SCN8A protein function with a negative predictive value of 95%. In summary, the available evidence is currently insufficient to determine the role of this variant in disease. Therefore, it has been classified as a Variant of Uncertain Significance.